The following is an entry in ClinVar:

NM_001287491.2(TET3):c.4402G>A (p.Val1468Ile)

Gene: TET3 (tet methylcytosine dioxygenase 3; plus strand). Cytogenetic location: 2p13.1.
Variant type: single nucleotide variant.
Coding change: c.4402G>A on transcript NM_001287491.2 (MANE Select); coding-DNA position 4402, G replaced by A.
Protein change: p.Val1468Ile; replaces valine 1468 with isoleucine.
Molecular consequence: missense variant.
Genome position (GRCh38, 1-based): chr2:74,101,190, G>A. VCF-style: chr2-74101190-G-A. GRCh37 (hg19) VCF-style: chr2-74328317-G-A.
Other names: c.4402G>A (NM_001287491.1); c.4123G>A, p.Val1375Ile (NM_001366022.1); c.3997G>A, p.Val1333Ile (NM_144993.1); short protein forms V1333I, V1375I, V1468I.
Identifiers: ClinVar variation 2651053 (VCV002651053.25), dbSNP rs200199642, ClinGen allele CA1719217.

ClinVar aggregate classification (germline): Conflicting classifications of pathogenicity. Review status: criteria provided, conflicting classifications (1 of 4 stars). 2 submissions from 2 submitters: Uncertain significance (1); Likely benign (1). Last evaluated 2025-08-04.

Allele frequency attached by ClinVar (database versions not stated): 1000 Genomes Project 0.00020; TOPMed 0.00029; ExAC 0.00030; 1000 Genomes Project 30x 0.00031; ESP Exome Variant Server 0.00032; gnomAD 0.00032.
gnomAD v4.1: 376 of 1,613,632 alleles (0.023%); highest among the groups gnomAD compares: African/African-American, 0.06%; 1 homozygote.

Submissions (2):

GeneDx
Classification: Uncertain significance. Last evaluated: 2025-08-04. Review status: criteria provided, single submitter. Criteria: GeneDx Variant Classification Process June 2021. Collection method: clinical testing. Allele origin: germline.
Comment: In silico analysis suggests that this missense variant does not alter protein structure/function; Has not been previously published as pathogenic or benign to our knowledge

CeGaT Center for Human Genetics Tuebingen
Classification: Likely benign. Last evaluated: 2023-01-01. Review status: criteria provided, single submitter. Criteria: CeGaT Center For Human Genetics Tuebingen Variant Classification Criteria Version 2. Collection method: clinical testing. Allele origin: germline. Affected: yes. Observed: 1 variant allele.
Comment: TET3: BP4